The following is an entry in ClinVar:

NM_024529.5(CDC73):c.1322G>A (p.Arg441His)

Gene: CDC73 (cell division cycle 73; plus strand). Cytogenetic location: 1q31.2.
Variant type: single nucleotide variant.
Coding change: c.1322G>A on transcript NM_024529.5 (MANE Select); coding-DNA position 1322, G replaced by A.
Protein change: p.Arg441His; replaces arginine 441 with histidine.
Molecular consequence: missense variant.
Genome position (GRCh38, 1-based): chr1:193,236,261, G>A. VCF-style: chr1-193236261-G-A. GRCh37 (hg19) VCF-style: chr1-193205391-G-A.
Other names: c.1322G>A (NM_024529.4); short protein forms R441H.
Identifiers: ClinVar variation 1522712 (VCV001522712.9), dbSNP rs778432682, ClinGen allele CA1303833.
Genomic context (GRCh38, chr1:193,236,261, plus strand): 5'-TTGAAATAATCTCCGTCTGTCCCCTACCTCCCCCCACCCACTTTTCTACTTGTAGGGACC[G>A]CGTTGTAGCCGTTTTTGTGCAGGGTCCTGCATGGCAGTTCAAAGGTTGGCCATGGCTTTT-3'
Protein context (NP_078805.3, residues 431-451): PLKLMPQDWD[Arg441His]VVAVFVQGPA

ClinVar aggregate classification (germline): Uncertain significance. Review status: criteria provided, multiple submitters, no conflicts (2 of 4 stars). 2 submissions from 2 submitters: Uncertain significance (2). Last evaluated 2025-10-02.

Conditions:
Parathyroid carcinoma (PRTC). Also called: CDC73-Related Parathyroid Carcinoma; Parathyroid gland carcinoma. Identifiers: Orphanet 143, MedGen C0687150, MONDO:0012004, OMIM 608266, HP:0006780.
Hereditary cancer-predisposing syndrome. Also called: Hereditary neoplastic syndrome; Hereditary Cancer Syndrome; Tumor predisposition; Neoplastic Syndromes, Hereditary. Identifiers: Orphanet 140162, MedGen C0027672, MeSH D009386, MONDO:0015356.

Allele frequency attached by ClinVar (database versions not stated): gnomAD exomes below 0.00001; ExAC 0.00001.
gnomAD v4.1: 5 of 1,612,444 alleles (0.00031%); highest among the groups gnomAD compares: Non-Finnish European, 0.00034%; no homozygotes.

Submissions (2):

Labcorp Genetics (formerly Invitae), Labcorp
Classification: Uncertain significance for Parathyroid carcinoma. Last evaluated: 2025-10-02. Review status: criteria provided, single submitter. Criteria: Invitae Variant Classification Sherloc (09022015). Collection method: clinical testing. Allele origin: germline.
Comment: This sequence change replaces arginine, which is basic and polar, with histidine, which is basic and polar, at codon 441 of the CDC73 protein (p.Arg441His). This variant is present in population databases (rs778432682, gnomAD 0.01%). This variant has not been reported in the literature in individuals affected with CDC73-related conditions. ClinVar contains an entry for this variant (Variation ID: 1522712). Invitae Evidence Modeling of protein sequence and biophysical properties (such as structural, functional, and spatial information, amino acid conservation, physicochemical variation, residue mobility, and thermodynamic stability) indicates that this missense variant is expected to disrupt CDC73 protein function with a positive predictive value of 80%. In summary, the available evidence is currently insufficient to determine the role of this variant in disease. Therefore, it has been classified as a Variant of Uncertain Significance.

Ambry Genetics
Classification: Uncertain significance for Hereditary cancer-predisposing syndrome. Last evaluated: 2025-04-25. Review status: criteria provided, single submitter. Criteria: Ambry Variant Classification Scheme 2023. Collection method: clinical testing. Allele origin: germline.
Comment: The p.R441H variant (also known as c.1322G>A), located in coding exon 15 of the CDC73 gene, results from a G to A substitution at nucleotide position 1322. The arginine at codon 441 is replaced by histidine, an amino acid with highly similar properties. This amino acid position is highly conserved in available vertebrate species. In addition, this alteration is predicted to be deleterious by in silico analysis. Based on the available evidence, the clinical significance of this alteration remains unclear.